The following is an entry in ClinVar:

NM_005732.4(RAD50):c.943G>T (p.Val315Leu)

Gene: RAD50 (RAD50 double strand break repair protein; plus strand). Cytogenetic location: 5q31.1.
Variant type: single nucleotide variant.
Coding change: c.943G>T on transcript NM_005732.4 (MANE Select); coding-DNA position 943, G replaced by T.
Protein change: p.Val315Leu; replaces valine 315 with leucine.
Molecular consequence: missense variant.
Genome position (GRCh38, 1-based): chr5:132,587,981, G>T. VCF-style: chr5-132587981-G-T. GRCh37 (hg19) VCF-style: chr5-131923673-G-T.
Other names: p.V315L:GTA>TTA; short protein forms V315L.
Identifiers: ClinVar variation 128028 (VCV000128028.64), dbSNP rs28903090, ClinGen allele CA331893.

ClinVar aggregate classification (germline): Conflicting classifications of pathogenicity. Review status: criteria provided, conflicting classifications (1 of 4 stars). 10 submissions from 10 submitters: Uncertain significance (3); Benign (2); Likely benign (5). Last evaluated 2026-05-01.

Conditions:
Hereditary cancer-predisposing syndrome. Also called: Tumor predisposition; Hereditary neoplastic syndrome; Neoplastic Syndromes, Hereditary; Hereditary Cancer Syndrome. Identifiers: Orphanet 140162, MedGen C0027672, MeSH D009386, MONDO:0015356.
Nijmegen breakage syndrome-like disorder (NBSLD). Also called: MICROCEPHALY AND SPONTANEOUS CHROMOSOME INSTABILITY WITHOUT IMMUNODEFICIENCY; NBS-LIKE DISORDER; RAD50 DEFICIENCY. Identifiers: Orphanet 240760, MedGen C2751318, MONDO:0013118, OMIM 613078.

Allele frequency attached by ClinVar (database versions not stated): 1000 Genomes Project 30x 0.00062; 1000 Genomes Project 0.00080; gnomAD exomes 0.00120 and 0.00234; ExAC 0.00126; gnomAD 0.00135 and 0.00141; TOPMed 0.00137; ESP Exome Variant Server 0.00200.
gnomAD v4.1: 3,569 of 1,612,604 alleles (0.22%); highest among the groups gnomAD compares: Non-Finnish European, 0.28%; 5 homozygotes.

Submissions (10):

CeGaT Center for Human Genetics Tuebingen
Classification: Likely benign. Last evaluated: 2026-05-01. Review status: criteria provided, single submitter. Criteria: CeGaT Center For Human Genetics Tuebingen Variant Classification Criteria Version 2. Collection method: clinical testing. Allele origin: germline. Affected: yes. Observed: 2 variant alleles.
Comment: RAD50: BS1

Labcorp Genetics (formerly Invitae), Labcorp
Classification: Benign for Hereditary cancer-predisposing syndrome. Last evaluated: 2026-02-03. Review status: criteria provided, single submitter. Criteria: Invitae Variant Classification Sherloc (09022015). Collection method: clinical testing. Allele origin: germline.

Quest Diagnostics Nichols Institute San Juan Capistrano
Classification: Likely benign. Last evaluated: 2025-10-24. Review status: criteria provided, single submitter. Criteria: Quest Diagnostics criteria. Collection method: clinical testing. Allele origin: unknown.

Blueprint Genetics
Classification: Likely benign. Last evaluated: 2024-11-21. Review status: criteria provided, single submitter. Criteria: ACMG Guidelines, 2015. Collection method: clinical testing. Allele origin: germline.

Baylor Genetics
Classification: Uncertain significance for Nijmegen breakage syndrome-like disorder. Last evaluated: 2023-05-15. Review status: criteria provided, single submitter. Criteria: ACMG Guidelines, 2015. Collection method: clinical testing. Allele origin: unknown.

Sema4
Classification: Likely benign for Nijmegen breakage syndrome-like disorder. Last evaluated: 2021-04-20. Review status: criteria provided, single submitter. Criteria: Sema4 Curation Guidelines. Collection method: curation. Allele origin: germline.

Women's Health and Genetics/Laboratory Corporation of America, LabCorp
Classification: Benign. Last evaluated: 2021-03-22. Review status: criteria provided, single submitter. Criteria: LabCorp Variant Classification Summary - May 2015. Collection method: clinical testing. Allele origin: germline.
Comment: Variant summary: RAD50 c.943G>T (p.Val315Leu) results in a conservative amino acid change in the encoded protein sequence. Three of five in-silico tools predict a benign effect of the variant on protein function. The variant allele was found at a frequency of 0.0012 in 251062 control chromosomes. The observed variant frequency is approximately 19 fold of the estimated maximal expected allele frequency for a pathogenic variant in RAD50 causing Hereditary Breast And Ovarian Cancer Syndrome phenotype (6.3e-05), strongly suggesting that the variant is benign. c.943G>T has been reported in the literature in individuals affected with a variety of cancers such as breast cancer, multiple primary tumors as well as unaffected control cohorts (example, Harvey_2017, Tommiska_2006, Young_2016, Ziolkowska-Suchanek_2013). These report(s) do not provide unequivocal conclusions about association of the variant with Hereditary Breast And Ovarian Cancer Syndrome. To our knowledge, no experimental evidence demonstrating an impact on protein function has been reported. Three clinical diagnostic laboratories have submitted clinical-significance assessments for this variant to ClinVar after 2014 without evidence for independent evaluation (benign, n=1, likely benign, n=1, VUS, n=1). Based on the evidence outlined above, the variant was classified as benign.

Ambry Genetics
Classification: Likely benign for Hereditary cancer-predisposing syndrome. Last evaluated: 2018-12-17. Review status: criteria provided, single submitter. Criteria: Ambry Variant Classification Scheme 2023. Collection method: clinical testing. Allele origin: germline.

Genetic Services Laboratory, University of Chicago
Classification: Uncertain significance. Last evaluated: 2016-05-09. Review status: criteria provided, single submitter. Criteria: ACMG Guidelines, 2015. Collection method: clinical testing. Allele origin: germline. Affected: no.

GeneDx
Classification: Uncertain significance. Last evaluated: 2014-03-11. Review status: criteria provided, single submitter. Criteria: GeneDx Variant Classification (06012015). Collection method: clinical testing. Allele origin: germline. Affected: yes.
Comment: RAD50 has only recently been described in association with cancer predisposition and the risks are not well understood. This variant is denoted RAD50 c.943G>T at the cDNA level, p.Val315Leu (V315L) at the protein level, and results in the change of a Valine to a Leucine (GTA>TTA). This variant has been published in two individuals with familial breast cancer and in two with multiple primaries including laryngeal cancer (Tommiska 2006, ZiÃ³ Kowska-Suchanek 2013). RAD50 Val315Leu was also reported in one healthy control in ZiÃ³ Kowska-Suchanek et al (2013). This variant was observed with an allele frequency of 0.3% (23/8600) in European Americans in the NHLBI Exome Sequencing Project, not frequent enough to be considered a polymorphism. This variant is a conservative substitution of one neutral non-polar amino acid for another, altering a position that is well conserved throughout evolution and is located in the coiled-coil region per UniProt. In silico analyses predict this variant to have a benign effect on protein structure and function. At a molecular level, the impact of this missense variant on protein structure and function is not known and thus we consider this to be a variant of uncertain significance. Furthermore, based on the currently available information, cancer risks associated with this variant, and the RAD50 gene, remain unclear.

Literature cited by the submitters: PubMed 37460928 (cited by Quest Diagnostics Nichols Institute San Juan Capistrano); PubMed 28873162 (cited by Quest Diagnostics Nichols Institute San Juan Capistrano); PubMed 29143133 (cited by Quest Diagnostics Nichols Institute San Juan Capistrano); PubMed 30788456 (cited by Quest Diagnostics Nichols Institute San Juan Capistrano); PubMed 20571869 (cited by Quest Diagnostics Nichols Institute San Juan Capistrano); PubMed 31874108 (cited by Quest Diagnostics Nichols Institute San Juan Capistrano); PubMed 28821472 (cited by Quest Diagnostics Nichols Institute San Juan Capistrano and Women's Health and Genetics/Laboratory Corporation of America, LabCorp); PubMed 26787654 (cited by Quest Diagnostics Nichols Institute San Juan Capistrano and Women's Health and Genetics/Laboratory Corporation of America, LabCorp); PubMed 24093751 (cited by Quest Diagnostics Nichols Institute San Juan Capistrano and Women's Health and Genetics/Laboratory Corporation of America, LabCorp); PubMed 24079363 (cited by Quest Diagnostics Nichols Institute San Juan Capistrano and Women's Health and Genetics/Laboratory Corporation of America, LabCorp); PubMed 16385572 (cited by Quest Diagnostics Nichols Institute San Juan Capistrano and Women's Health and Genetics/Laboratory Corporation of America, LabCorp).